The following is an entry in ClinVar:

ClinVar aggregate classification (germline): Uncertain significance (1 of 4 stars; one submission).

Conditions:
Catecholaminergic polymorphic ventricular tachycardia 1. Also called: VENTRICULAR TACHYCARDIA, STRESS-INDUCED POLYMORPHIC 1; RYR2-Related Catecholaminergic Polymorphic Ventricular Tachycardia; VENTRICULAR TACHYCARDIA, CATECHOLAMINERGIC POLYMORPHIC, 1, WITH OR WITHOUT ATRIAL DYSFUNCTION AND/OR DILATED CARDIOMYOPATHY. Identifiers: Orphanet 3286, MedGen C1631597, MONDO:0011484, OMIM 604772.

Submission:

Labcorp Genetics (formerly Invitae), Labcorp
Classification: Uncertain significance for Catecholaminergic polymorphic ventricular tachycardia 1. Last evaluated: 2025-02-11. Review status: criteria provided, single submitter. Criteria: Invitae Variant Classification Sherloc (09022015). Collection method: clinical testing. Allele origin: germline.
Comment: This sequence change replaces alanine, which is neutral and non-polar, with threonine, which is neutral and polar, at codon 4204 of the RYR2 protein (p.Ala4204Thr). This variant is not present in population databases (gnomAD no frequency). This variant has not been reported in the literature in individuals affected with RYR2-related conditions. Invitae Evidence Modeling of protein sequence and biophysical properties (such as structural, functional, and spatial information, amino acid conservation, physicochemical variation, residue mobility, and thermodynamic stability) has been performed for this missense variant. However, the output from this modeling did not meet the statistical confidence thresholds required to predict the impact of this variant on RYR2 protein function. In summary, the available evidence is currently insufficient to determine the role of this variant in disease. Therefore, it has been classified as a Variant of Uncertain Significance.

NM_001035.3(RYR2):c.12610G>A (p.Ala4204Thr)

Genes: RYR2 (ryanodine receptor 2; plus strand), LOC126806068 (BRD4-independent group 4 enhancer GRCh37_chr1:237947411-237948610; plus strand). Cytogenetic location: 1q43.
Variant type: single nucleotide variant.
Coding change: c.12610G>A on transcript NM_001035.3 (MANE Select); coding-DNA position 12610, G replaced by A.
Protein change: p.Ala4204Thr; replaces alanine 4204 with threonine.
Molecular consequence: missense variant.
Genome position (GRCh38, 1-based): chr1:237,784,322, G>A. VCF-style: chr1-237784322-G-A. GRCh37 (hg19) VCF-style: chr1-237947622-G-A.
Other names: short protein forms A4204T.
Identifiers: ClinVar variation 4800119 (VCV004800119.1).